The following is an entry in ClinVar:

ClinVar aggregate classification (germline): Uncertain significance (1 of 4 stars; one submission).

Conditions:
Catecholaminergic polymorphic ventricular tachycardia 1. Also called: VENTRICULAR TACHYCARDIA, STRESS-INDUCED POLYMORPHIC 1; VENTRICULAR TACHYCARDIA, CATECHOLAMINERGIC POLYMORPHIC, 1, WITH OR WITHOUT ATRIAL DYSFUNCTION AND/OR DILATED CARDIOMYOPATHY; RYR2-Related Catecholaminergic Polymorphic Ventricular Tachycardia. Identifiers: Orphanet 3286, MedGen C1631597, MONDO:0011484, OMIM 604772.

gnomAD v4.1: 2 of 1,611,856 alleles (0.00012%); highest among the groups gnomAD compares: East Asian, 0.0022%; no homozygotes.

Submission:

Labcorp Genetics (formerly Invitae), Labcorp
Classification: Uncertain significance for Catecholaminergic polymorphic ventricular tachycardia 1. Last evaluated: 2024-07-23. Review status: criteria provided, single submitter. Criteria: Invitae Variant Classification Sherloc (09022015). Collection method: clinical testing. Allele origin: germline.
Comment: This sequence change replaces lysine, which is basic and polar, with glutamic acid, which is acidic and polar, at codon 4323 of the RYR2 protein (p.Lys4323Glu). This variant is not present in population databases (gnomAD no frequency). This variant has not been reported in the literature in individuals affected with RYR2-related conditions. Advanced modeling of protein sequence and biophysical properties (such as structural, functional, and spatial information, amino acid conservation, physicochemical variation, residue mobility, and thermodynamic stability) performed at Invitae indicates that this missense variant is expected to disrupt RYR2 protein function with a positive predictive value of 95%. In summary, the available evidence is currently insufficient to determine the role of this variant in disease. Therefore, it has been classified as a Variant of Uncertain Significance.

NM_001035.3(RYR2):c.12967A>G (p.Lys4323Glu)

Genes: RYR2 (ryanodine receptor 2; plus strand), LOC126806068 (BRD4-independent group 4 enhancer GRCh37_chr1:237947411-237948610; plus strand). Cytogenetic location: 1q43.
Variant type: single nucleotide variant.
Coding change: c.12967A>G on transcript NM_001035.3 (MANE Select); coding-DNA position 12967, A replaced by G.
Protein change: p.Lys4323Glu; replaces lysine 4323 with glutamic acid.
Molecular consequence: missense variant.
Genome position (GRCh38, 1-based): chr1:237,784,679, A>G. VCF-style: chr1-237784679-A-G. GRCh37 (hg19) VCF-style: chr1-237947979-A-G.
Other names: short protein forms K4323E.
Identifiers: ClinVar variation 3684254 (VCV003684254.2).